The following is an entry in ClinVar:

NM_001039615.3(ZNF705D):c.566G>A (p.Arg189Gln)

Gene: ZNF705D (zinc finger protein 705D). Cytogenetic location: 8p23.1.
Variant type: single nucleotide variant.
Coding change: c.566G>A on transcript NM_001039615.3 (MANE Select); coding-DNA position 566, G replaced by A.
Protein change: p.Arg189Gln; replaces arginine 189 with glutamine.
Molecular consequence: missense variant.
Genome position (GRCh38, 1-based): chr8:12,112,821, G>A. VCF-style: chr8-12112821-G-A. GRCh37 (hg19) VCF-style: chr8-11970330-G-A.
Other names: short protein forms R189Q.
Identifiers: ClinVar variation 4839547 (VCV004839547.1).

ClinVar aggregate classification (germline): Uncertain significance (1 of 4 stars; one submission).

Submission:

Ambry Genetics
Classification: Uncertain significance. Last evaluated: 2026-01-21. Review status: criteria provided, single submitter. Criteria: Ambry Variant Classification Scheme 2023. Collection method: clinical testing. Allele origin: germline.
Comment: The c.566G>A (p.R189Q) alteration is located in exon 7 (coding exon 5) of the ZNF705D gene. This alteration results from a G to A substitution at nucleotide position 566, causing the arginine (R) at amino acid position 189 to be replaced by a glutamine (Q). Based on data from gnomAD, the A allele has an overall frequency of 0.01% (1/10020) total alleles studied. The highest observed frequency was 0.037% (1/2734) of African alleles. Based on insufficient or conflicting evidence, the clinical significance of this alteration remains unclear.